The following is an entry in ClinVar:

NM_014856.3(DENND4B):c.46G>A (p.Ala16Thr)

Gene: DENND4B (DENN domain containing 4B; minus strand). Cytogenetic location: 1q21.3.
Variant type: single nucleotide variant.
Coding change: c.46G>A on transcript NM_014856.3 (MANE Select); coding-DNA position 46, G replaced by A.
Protein change: p.Ala16Thr; replaces alanine 16 with threonine.
Molecular consequence: missense variant.
Genome position (GRCh38, 1-based): chr1:153,944,329, C>T on the plus strand (G>A on the coding strand, the complement: DENND4B is on the minus strand). VCF-style: chr1-153944329-C-T. GRCh37 (hg19) VCF-style: chr1-153916805-C-T.
Other names: c.79G>A, p.Ala27Thr (NM_001367466.1); short protein forms A16T, A27T.
Identifiers: ClinVar variation 2628853 (VCV002628853.1), dbSNP rs2102075453, ClinGen allele CA342537601.
Genomic context (GRCh38, chr1:153,944,329, plus strand): 5'-CACTGGGTTCAGGAACCCACGTTTCCTCAGGGATGGGTGCTCCGTTCCCTGCAAGCCCAG[C>T]TACCACGAAGTAATCCACCAGCCGGGGGGGCCGCTCCTCCGCCATGGCCCCCCCCTCACT-3'
Protein context (NP_055671.2, residues 6-26): PPRLVDYFVV[Ala16Thr]GLAGNGAPIP

ClinVar aggregate classification (germline): Uncertain significance (1 of 4 stars; one submission).

Conditions:
DENND4B-related disorder. Also called: DENND4B-related condition.

Submission:

PreventionGenetics, part of Exact Sciences
Classification: Uncertain significance for DENND4B-related condition. Last evaluated: 2022-12-30. Review status: criteria provided, single submitter. Criteria: ACMG Guidelines, 2015. Collection method: clinical testing. Allele origin: germline.
Comment: The DENND4B c.46G>A variant is predicted to result in the amino acid substitution p.Ala16Thr. To our knowledge, this variant has not been reported in the literature or in a large population database, indicating this variant is rare. At this time, the clinical significance of this variant is uncertain due to the absence of conclusive functional and genetic evidence.